The following is an entry in ClinVar:

ClinVar aggregate classification (germline): Conflicting classifications of pathogenicity. Review status: criteria provided, conflicting classifications (1 of 4 stars). 3 submissions from 3 submitters: Uncertain significance (2); Likely benign (1). Last evaluated 2022-12-14.

Conditions:
Mitochondrial complex I deficiency, nuclear type 1. Also called: NADH-COENZYME Q REDUCTASE DEFICIENCY; MITOCHONDRIAL NADH DEHYDROGENASE COMPONENT OF COMPLEX I, DEFICIENCY OF. Identifiers: MedGen C6022305, MONDO:0100224, OMIM 252010.
Inborn genetic diseases. Identifiers: MedGen C0950123, MeSH D030342.

Allele frequency attached by ClinVar (database versions not stated): ExAC 0.00002; gnomAD exomes 0.00002; gnomAD 0.00004; TOPMed 0.00005; ESP Exome Variant Server 0.00015.

Submissions (3):

Ambry Genetics
Classification: Likely benign for Inborn genetic diseases. Last evaluated: 2022-12-14. Review status: criteria provided, single submitter. Criteria: Ambry Variant Classification Scheme 2023. Collection method: clinical testing. Allele origin: germline.

Labcorp Genetics (formerly Invitae), Labcorp
Classification: Uncertain significance. Last evaluated: 2021-12-02. Review status: criteria provided, single submitter. Criteria: Invitae Variant Classification Sherloc (09022015). Collection method: clinical testing. Allele origin: germline.
Comment: This sequence change replaces leucine, which is neutral and non-polar, with phenylalanine, which is neutral and non-polar, at codon 76 of the NDUFAF3 protein (p.Leu76Phe). This variant is present in population databases (rs373060774, gnomAD 0.005%). This variant has not been reported in the literature in individuals affected with NDUFAF3-related conditions. ClinVar contains an entry for this variant (Variation ID: 900109). Algorithms developed to predict the effect of missense changes on protein structure and function output the following: SIFT: "Tolerated"; PolyPhen-2: "Benign"; Align-GVGD: "Class C0". The phenylalanine amino acid residue is found in multiple mammalian species, which suggests that this missense change does not adversely affect protein function. In summary, the available evidence is currently insufficient to determine the role of this variant in disease. Therefore, it has been classified as a Variant of Uncertain Significance.

Illumina Laboratory Services, Illumina
Classification: Uncertain significance for Mitochondrial complex I deficiency, nuclear type 1. Last evaluated: 2018-01-13. Review status: criteria provided, single submitter. Criteria: ICSL Variant Classification Criteria 13 December 2019. Collection method: clinical testing. Allele origin: germline.

NM_199069.2(NDUFAF3):c.226C>T (p.Leu76Phe)

Genes: NDUFAF3 (NADH:ubiquinone oxidoreductase complex assembly factor 3; plus strand), LOC129936731 (ATAC-STARR-seq lymphoblastoid silent region 14351; plus strand). Cytogenetic location: 3p21.31.
Variant type: single nucleotide variant.
Coding change: c.226C>T on transcript NM_199069.2 (MANE Select); coding-DNA position 226, C replaced by T.
Protein change: p.Leu76Phe; replaces leucine 76 with phenylalanine.
Molecular consequence: missense variant.
Genome position (GRCh38, 1-based): chr3:49,022,494, C>T. VCF-style: chr3-49022494-C-T. GRCh37 (hg19) VCF-style: chr3-49059927-C-T.
Other names: c.55C>T, p.Leu19Phe (NM_199070.2, NM_199073.2, NM_199074.2); short protein forms L19F, L76F.
Identifiers: ClinVar variation 900109 (VCV000900109.12), dbSNP rs373060774, ClinGen allele CA2390216.